The following is an entry in ClinVar:

ClinVar aggregate classification (germline): Uncertain significance (1 of 4 stars; one submission).

Conditions:
Hereditary cancer-predisposing syndrome. Also called: Neoplastic Syndromes, Hereditary; Tumor predisposition; Hereditary Cancer Syndrome; Hereditary neoplastic syndrome. Identifiers: Orphanet 140162, MedGen C0027672, MeSH D009386, MONDO:0015356.

Submission:

Ambry Genetics
Classification: Uncertain significance for Hereditary cancer-predisposing syndrome. Last evaluated: 2024-09-16. Review status: criteria provided, single submitter. Criteria: Ambry Variant Classification Scheme 2023. Collection method: clinical testing. Allele origin: germline.
Comment: The p.T361I variant (also known as c.1082C>T), located in coding exon 11 of the POLE gene, results from a C to T substitution at nucleotide position 1082. The threonine at codon 361 is replaced by isoleucine, an amino acid with similar properties. This amino acid position is conserved. In addition, the in silico prediction for this alteration is inconclusive. Based on the available evidence, the clinical significance of this variant remains unclear.

NM_006231.4(POLE):c.1082C>T (p.Thr361Ile)

Gene: POLE (DNA polymerase epsilon, catalytic subunit; minus strand). Cytogenetic location: 12q24.33.
Variant type: single nucleotide variant.
Coding change: c.1082C>T on transcript NM_006231.4 (MANE Select); coding-DNA position 1082, C replaced by T.
Protein change: p.Thr361Ile; replaces threonine 361 with isoleucine.
Molecular consequence: missense variant.
Genome position (GRCh38, 1-based): chr12:132,675,759, G>A on the plus strand (C>T on the coding strand, the complement: POLE is on the minus strand). VCF-style: chr12-132675759-G-A. GRCh37 (hg19) VCF-style: chr12-133252345-G-A.
Other names: short protein forms T361I.
Identifiers: ClinVar variation 3422170 (VCV003422170.1).